The following is an entry in ClinVar:

NM_000140.5(FECH):c.734T>C (p.Leu245Pro)

Gene: FECH (ferrochelatase; minus strand). Cytogenetic location: 18q21.31.
Variant type: single nucleotide variant.
Coding change: c.734T>C on transcript NM_000140.5 (MANE Select); coding-DNA position 734, T replaced by C.
Protein change: p.Leu245Pro; replaces leucine 245 with proline.
Molecular consequence: missense variant. On other transcripts: intron variant (1).
Genome position (GRCh38, 1-based): chr18:57,559,215, A>G on the plus strand (T>C on the coding strand, the complement: FECH is on the minus strand). VCF-style: chr18-57559215-A-G. GRCh37 (hg19) VCF-style: chr18-55226447-A-G.
Other names: c.752T>C, p.Leu251Pro (NM_001012515.4); c.518T>C, p.Leu173Pro (NM_001371095.1); c.734T>C, p.Leu245Pro (NM_001374778.1); c.705+3659T>C (NM_001371094.1); short protein forms L173P, L245P, L251P.
Identifiers: ClinVar variation 3723158 (VCV003723158.2).

ClinVar aggregate classification (germline): Uncertain significance (1 of 4 stars; one submission).

Submission:

Labcorp Genetics (formerly Invitae), Labcorp
Classification: Uncertain significance. Last evaluated: 2024-03-15. Review status: criteria provided, single submitter. Criteria: Invitae Variant Classification Sherloc (09022015). Collection method: clinical testing. Allele origin: germline.
Comment: This sequence change replaces leucine, which is neutral and non-polar, with proline, which is neutral and non-polar, at codon 245 of the FECH protein (p.Leu245Pro). This variant is not present in population databases (gnomAD no frequency). This missense change has been observed in individual(s) with erythropoietic protoporphyria (PMID: 15286165). Advanced modeling of protein sequence and biophysical properties (such as structural, functional, and spatial information, amino acid conservation, physicochemical variation, residue mobility, and thermodynamic stability) performed at Invitae indicates that this missense variant is expected to disrupt FECH protein function with a positive predictive value of 80%. In summary, the available evidence is currently insufficient to determine the role of this variant in disease. Therefore, it has been classified as a Variant of Uncertain Significance.

Literature cited by the submitters: PubMed 15286165.